The following is an entry in ClinVar:

ClinVar aggregate classification (germline): Uncertain significance (1 of 4 stars; one submission).

Conditions:
Inborn genetic diseases. Identifiers: MedGen C0950123, MeSH D030342.

Submission:

Ambry Genetics
Classification: Uncertain significance for Inborn genetic diseases. Last evaluated: 2019-10-25. Review status: criteria provided, single submitter. Criteria: Ambry Variant Classification Scheme 2023. Collection method: clinical testing. Allele origin: germline.
Comment: The p.A1460V variant (also known as c.4379C>T), located in coding exon 4 of the PRX gene, results from a C to T substitution at nucleotide position 4379. The alanine at codon 1460 is replaced by valine, an amino acid with similar properties. This amino acid position is poorly conserved in available vertebrate species. In addition, this alteration is predicted to be tolerated by in silico analysis. Since supporting evidence is limited at this time, the clinical significance of this alteration remains unclear.

NM_181882.3(PRX):c.4379C>T (p.Ala1460Val)

Gene: PRX (periaxin; minus strand). Cytogenetic location: 19q13.2.
Variant type: single nucleotide variant.
Coding change: c.4379C>T on transcript NM_181882.3 (MANE Select); coding-DNA position 4379, C replaced by T.
Protein change: p.Ala1460Val; replaces alanine 1460 with valine.
Molecular consequence: missense variant. On other transcripts: 3 prime UTR variant (1).
Genome position (GRCh38, 1-based): chr19:40,393,973, G>A on the plus strand (C>T on the coding strand, the complement: PRX is on the minus strand). VCF-style: chr19-40393973-G-A. GRCh37 (hg19) VCF-style: chr19-40899880-G-A.
Other names: c.4664C>T, p.Ala1555Val (NM_001411127.1); c.*4584C>T (NM_020956.2); short protein forms A1555V, A1460V.
Identifiers: ClinVar variation 1740129 (VCV001740129.2), dbSNP rs2514796543, ClinGen allele CA405889224.